The following is an entry in ClinVar:

NM_014991.6(WDFY3):c.1549G>T (p.Ala517Ser)

Gene: WDFY3 (WD repeat and FYVE domain containing 3; minus strand). Cytogenetic location: 4q21.23.
Variant type: single nucleotide variant.
Coding change: c.1549G>T on transcript NM_014991.6 (MANE Select); coding-DNA position 1549, G replaced by T.
Protein change: p.Ala517Ser; replaces alanine 517 with serine.
Molecular consequence: missense variant.
Genome position (GRCh38, 1-based): chr4:84,821,126, C>A on the plus strand (G>T on the coding strand, the complement: WDFY3 is on the minus strand). VCF-style: chr4-84821126-C-A. GRCh37 (hg19) VCF-style: chr4-85742279-C-A.
Other names: short protein forms A517S.
Identifiers: ClinVar variation 3774192 (VCV003774192.1).

ClinVar aggregate classification (germline): Uncertain significance (1 of 4 stars; one submission).

gnomAD v4.1: 1 of 1,613,256 alleles (0.000062%); highest among the groups gnomAD compares: African/African-American, 0.0013%; no homozygotes.

Submission:

GeneDx
Classification: Uncertain significance. Last evaluated: 2024-09-20. Review status: criteria provided, single submitter. Criteria: GeneDx Variant Classification Process June 2021. Collection method: clinical testing. Allele origin: germline. Affected: yes.
Comment: Not observed at significant frequency in large population cohorts (gnomAD); In silico analysis indicates that this missense variant does not alter protein structure/function; Has not been previously published as pathogenic or benign to our knowledge